The following is an entry in ClinVar:

ClinVar aggregate classification (germline): Pathogenic. Review status: criteria provided, multiple submitters, no conflicts (2 of 4 stars). 3 submissions from 3 submitters: Pathogenic (3). Last evaluated 2024-01-09.

Conditions:
Hereditary hemorrhagic telangiectasia (HHT). Also called: Osler hemorrhagic telangiectasia syndrome; ORW DISEASE; Osler Weber Rendu syndrome; OSLER-RENDU-WEBER DISEASE. Identifiers: Orphanet 774, MedGen C0039445, MONDO:0019180. Disease mechanism: loss of function.
ENG-related disorder. Also called: ENG-related condition; ENG-related disorders.
Cardiovascular phenotype. Identifiers: MedGen CN230736.

Submissions (3):

Labcorp Genetics (formerly Invitae), Labcorp
Classification: Pathogenic for Hereditary hemorrhagic telangiectasia. Last evaluated: 2024-01-09. Review status: criteria provided, single submitter. Criteria: Invitae Variant Classification Sherloc (09022015). Collection method: clinical testing. Allele origin: germline.
Comment: This sequence change creates a premature translational stop signal (p.Trp390*) in the ENG gene. It is expected to result in an absent or disrupted protein product. Loss-of-function variants in ENG are known to be pathogenic (PMID: 15879500). This variant is not present in population databases (gnomAD no frequency). This premature translational stop signal has been observed in individual(s) with hereditary hemorrhagic telangiectasia (PMID: 18673552). ClinVar contains an entry for this variant (Variation ID: 567802). For these reasons, this variant has been classified as Pathogenic.

PreventionGenetics, part of Exact Sciences
Classification: Pathogenic for ENG-related condition. Last evaluated: 2023-05-09. Review status: criteria provided, single submitter. Criteria: ACMG Guidelines, 2015. Collection method: clinical testing. Allele origin: germline.
Comment: The ENG c.1169G>A variant is predicted to result in premature protein termination (p.Trp390*). This variant was reported in individuals with hereditary hemorrhagic telangiectasia (HHT) (Family 9a in Fontalba et al. 2008. PubMed ID: 18673552; Kitayama et al. 2021. PubMed ID: 34872578). This variant has not been reported in a large population database, indicating this variant is rare. Nonsense variants in ENG are expected to be pathogenic. This variant is interpreted as pathogenic.

Ambry Genetics
Classification: Pathogenic for Cardiovascular phenotype. Last evaluated: 2019-01-21. Review status: criteria provided, single submitter. Criteria: Ambry Variant Classification Scheme 2023. Collection method: clinical testing. Allele origin: germline.
Comment: The p.W390* pathogenic mutation (also known as c.1169G>A), located in coding exon 9 of the ENG gene, results from a G to A substitution at nucleotide position 1169. This changes the amino acid from a tryptophan to a stop codon within coding exon 9. This alteration was first described in an individual with epistaxis and telangiectasias (Fontalba A et al. BMC Med. Genet., 2008 Aug;9:75). In addition to the clinical data presented in the literature, this alteration is expected to result in loss of function by premature protein truncation or nonsense-mediated mRNA decay. As such, this alteration is interpreted as a disease-causing mutation.

Literature cited by the submitters: PubMed 15879500 (cited by Labcorp Genetics (formerly Invitae), Labcorp); PubMed 18673552 (cited by Labcorp Genetics (formerly Invitae), Labcorp and Ambry Genetics).

NM_001114753.3(ENG):c.1169G>A (p.Trp390Ter)

Genes: ENG (endoglin; minus strand), LOC102723566 (uncharacterized LOC102723566; plus strand). Cytogenetic location: 9q34.11.
Variant type: single nucleotide variant.
Coding change: c.1169G>A on transcript NM_001114753.3 (MANE Select); coding-DNA position 1169, G replaced by A.
Protein change: p.Trp390Ter; replaces tryptophan 390 with a stop codon.
Molecular consequence: nonsense.
Genome position (GRCh38, 1-based): chr9:127,820,003, C>T on the plus strand (G>A on the coding strand, the complement: ENG is on the minus strand). VCF-style: chr9-127820003-C-T. GRCh37 (hg19) VCF-style: chr9-130582282-C-T.
Other names: c.1169G>A, p.Trp390Ter (NM_000118.4); c.623G>A, p.Trp208Ter (NM_001278138.2); short protein forms W390*, W208*.
Identifiers: ClinVar variation 567802 (VCV000567802.13), dbSNP rs1564453619, ClinGen allele CA374978738.